The following is an entry in ClinVar:

NM_001042750.2(STAG2):c.3025A>G (p.Lys1009Glu)

Gene: STAG2 (STAG2 cohesin complex component; plus strand). Cytogenetic location: Xq25.
Variant type: single nucleotide variant.
Coding change: c.3025A>G on transcript NM_001042750.2 (MANE Select); coding-DNA position 3025, A replaced by G.
Protein change: p.Lys1009Glu; replaces lysine 1009 with glutamic acid.
Molecular consequence: missense variant.
Genome position (GRCh38, 1-based): chrX:124,083,521, A>G. VCF-style: chrX-124083521-A-G. GRCh37 (hg19) VCF-style: chrX-123217371-A-G.
Other names: c.3025A>G, p.Lys1009Glu (NM_001042749.2, NM_001042751.2, NM_001282418.2 and 13 more transcripts); short protein forms K1009E.
Identifiers: ClinVar variation 3376578 (VCV003376578.3).

ClinVar aggregate classification (germline): Uncertain significance (1 of 4 stars; one submission).

Conditions:
Mullegama-Klein-Martinez syndrome. Also called: NEURODEVELOPMENTAL DISORDER, X-LINKED, WITH CRANIOFACIAL ABNORMALITIES. Identifiers: MedGen C5193008, MONDO:0026722, OMIM 301022.

Submission:

Victorian Clinical Genetics Services, Murdoch Childrens Research Institute
Classification: Uncertain significance for Mullegama-Klein-Martinez syndrome. Last evaluated: 2025-06-13. Review status: criteria provided, single submitter. Criteria: ACMG Guidelines, 2015. Collection method: clinical testing. Allele origin: germline. Affected: yes.
Comment: This variant is classified as VUS-3A. Evidence in support of pathogenic classification: Variant is absent from gnomAD (v2, v3 and v4); Another missense variant comparable to the one identified in this case has limited previous evidence for pathogenicity. Missense variant predicted to be damaging by in silico tool(s) or highly conserved with a major amino acid change. Additional information: Variant is predicted to result in a missense amino acid change from lysine to glutamic acid; This variant is heterozygous; This gene is associated with both recessive and dominant X-linked disease. Hemizygous males have only been reported with missense variants (OMIM). Heterozygous females are usually reported with variants resulting in a premature termination codon, but have also been reported with missense or splice site variants (PMIDs: 30158690, 31334757); This variant has no previous evidence of pathogenicity; No published segregation evidence has been identified for this variant; No published functional evidence has been identified for this variant; Variant is located in the annotated GR domain (PMID: 30447054); Loss of function is a known mechanism of disease in this gene and is associated with holoprosencephaly 13 (MIM#301043) and Mullegama-Klein-Martinez syndrome (MIM#301022); Inheritance information for this variant is not currently available in this individual.

Literature cited by the submitters: PubMed 30158690; PubMed 30447054; PubMed 31334757.